The following is an entry in ClinVar:

ClinVar aggregate classification (germline): Uncertain significance. Review status: criteria provided, multiple submitters, no conflicts (2 of 4 stars). 2 submissions from 2 submitters: Uncertain significance (2). Last evaluated 2025-03-17.

Allele frequency attached by ClinVar (database versions not stated): gnomAD exomes below 0.00001.
gnomAD v4.1: 3 of 1,611,888 alleles (0.00019%); highest among the groups gnomAD compares: Non-Finnish European, 0.00025%; no homozygotes.

Submissions (2):

Labcorp Genetics (formerly Invitae), Labcorp
Classification: Uncertain significance. Last evaluated: 2025-03-17. Review status: criteria provided, single submitter. Criteria: Invitae Variant Classification Sherloc (09022015). Collection method: clinical testing. Allele origin: germline.
Comment: This sequence change replaces valine, which is neutral and non-polar, with methionine, which is neutral and non-polar, at codon 256 of the ABHD12 protein (p.Val256Met). This variant is not present in population databases (gnomAD no frequency). This variant has not been reported in the literature in individuals affected with ABHD12-related conditions. ClinVar contains an entry for this variant (Variation ID: 1040871). Invitae Evidence Modeling of protein sequence and biophysical properties (such as structural, functional, and spatial information, amino acid conservation, physicochemical variation, residue mobility, and thermodynamic stability) indicates that this missense variant is not expected to disrupt ABHD12 protein function with a negative predictive value of 80%. In summary, the available evidence is currently insufficient to determine the role of this variant in disease. Therefore, it has been classified as a Variant of Uncertain Significance.

GeneDx
Classification: Uncertain significance. Last evaluated: 2022-02-11. Review status: criteria provided, single submitter. Criteria: GeneDx Variant Classification Process June 2021. Collection method: clinical testing. Allele origin: germline. Affected: yes.
Comment: Not observed at significant frequency in large population cohorts (gnomAD); In silico analysis supports that this missense variant does not alter protein structure/function; Has not been previously published as pathogenic or benign to our knowledge

NM_001042472.3(ABHD12):c.766G>A (p.Val256Met)

Gene: ABHD12 (abhydrolase domain containing 12, lysophospholipase; minus strand). Cytogenetic location: 20p11.21.
Variant type: single nucleotide variant.
Coding change: c.766G>A on transcript NM_001042472.3 (MANE Select); coding-DNA position 766, G replaced by A.
Protein change: p.Val256Met; replaces valine 256 with methionine.
Molecular consequence: missense variant.
Genome position (GRCh38, 1-based): chr20:25,308,478, C>T on the plus strand (G>A on the coding strand, the complement: ABHD12 is on the minus strand). VCF-style: chr20-25308478-C-T. GRCh37 (hg19) VCF-style: chr20-25289114-C-T.
Other names: c.766G>A, p.Val256Met (NM_015600.5); short protein forms V256M.
Identifiers: ClinVar variation 1040871 (VCV001040871.8), dbSNP rs772184384, ClinGen allele CA408456014.